The following is an entry in ClinVar:

NM_004655.4(AXIN2):c.1060-1G>C

Gene: AXIN2 (axin 2; minus strand). Cytogenetic location: 17q24.1.
Variant type: single nucleotide variant.
Coding change: c.1060-1G>C on transcript NM_004655.4 (MANE Select); the canonical splice acceptor site of the intron before coding-DNA position 1060, G replaced by C.
Molecular consequence: splice acceptor variant.
Genome position (GRCh38, 1-based): chr17:65,538,344, C>G on the plus strand (G>C on the coding strand, the complement: AXIN2 is on the minus strand). VCF-style: chr17-65538344-C-G. GRCh37 (hg19) VCF-style: chr17-63534462-C-G.
Other names: c.1060-1G>C (NM_001363813.1).
Identifiers: ClinVar variation 841443 (VCV000841443.9), dbSNP rs2043981878, ClinGen allele CA400678655.

ClinVar aggregate classification (germline): Likely pathogenic. Review status: criteria provided, multiple submitters, no conflicts (2 of 4 stars). 2 submissions from 2 submitters: Likely pathogenic (2). Last evaluated 2025-12-24.

Conditions:
Hereditary cancer-predisposing syndrome. Also called: Hereditary Cancer Syndrome; Tumor predisposition; Neoplastic Syndromes, Hereditary; Hereditary neoplastic syndrome. Identifiers: Orphanet 140162, MedGen C0027672, MeSH D009386, MONDO:0015356.
Oligodontia-cancer predisposition syndrome. Also called: TOOTH AGENESIS-COLORECTAL CANCER SYNDROME. Identifiers: Orphanet 300576, MedGen C1837750, MONDO:0012075, OMIM 608615. Disease mechanism: loss of function.

Submissions (2):

Ambry Genetics
Classification: Likely pathogenic for Hereditary cancer-predisposing syndrome. Last evaluated: 2025-12-24. Review status: criteria provided, single submitter. Criteria: Ambry Variant Classification Scheme 2023. Collection method: clinical testing. Allele origin: germline.
Comment: The c.1060-1G>C intronic variant results from a G to C substitution one nucleotide upstream from coding exon 4 of the AXIN2 gene. Alterations that disrupt the canonical splice site are expected to cause aberrant splicing, resulting in an abnormal protein or a transcript that is subject to nonsense-mediated mRNA decay. This variant is considered to be rare based on population cohorts in the Genome Aggregation Database (gnomAD). This nucleotide position is highly conserved in available vertebrate species. In silico splice site analysis predicts that this alteration will weaken the native splice acceptor site and will result in the creation or strengthening of a novel splice acceptor site; however, direct evidence is insufficient at this time (Ambry internal data). As such, this alteration is classified as likely pathogenic.

Labcorp Genetics (formerly Invitae), Labcorp
Classification: Likely pathogenic for Oligodontia-cancer predisposition syndrome. Last evaluated: 2023-01-09. Review status: criteria provided, single submitter. Criteria: Invitae Variant Classification Sherloc (09022015). Collection method: clinical testing. Allele origin: germline.
Comment: In summary, the currently available evidence indicates that the variant is pathogenic, but additional data are needed to prove that conclusively. Therefore, this variant has been classified as Likely Pathogenic. Algorithms developed to predict the effect of sequence changes on RNA splicing suggest that this variant may disrupt the consensus splice site. ClinVar contains an entry for this variant (Variation ID: 841443). This variant has not been reported in the literature in individuals affected with AXIN2-related conditions. This variant is not present in population databases (gnomAD no frequency). This sequence change affects an acceptor splice site in intron 4 of the AXIN2 gene. It is expected to disrupt RNA splicing. Variants that disrupt the donor or acceptor splice site typically lead to a loss of protein function (PMID: 16199547), and loss-of-function variants in AXIN2 are known to be pathogenic (PMID: 15042511, 21416598).

Literature cited by the submitters: PubMed 16199547 (cited by Labcorp Genetics (formerly Invitae), Labcorp); PubMed 15042511 (cited by Labcorp Genetics (formerly Invitae), Labcorp); PubMed 21416598 (cited by Labcorp Genetics (formerly Invitae), Labcorp).